The following is an entry in ClinVar:

ClinVar aggregate classification (germline): Pathogenic. Review status: criteria provided, single submitter (1 of 4 stars). 2 submissions from 2 submitters: Pathogenic (1). 1 of the submissions does not count toward it. Last evaluated 2024-03-19.

Conditions:
Cerebral cavernous malformation 2. Also called: Familial Cerebral Cavernous Malformation 2. Identifiers: Orphanet 221061, MedGen C1864041, MONDO:0011304, OMIM 603284.

Submissions (2):

Labcorp Genetics (formerly Invitae), Labcorp
Classification: Pathogenic for Cerebral cavernous malformation 2. Last evaluated: 2024-03-19. Review status: criteria provided, single submitter. Criteria: Invitae Variant Classification Sherloc (09022015). Collection method: clinical testing. Allele origin: germline.
Comment: This sequence change creates a premature translational stop signal (p.Gly8Alafs*15) in the CCM2 gene. It is expected to result in an absent or disrupted protein product. Loss-of-function variants in CCM2 are known to be pathogenic (PMID: 18300272, 24689081). This variant is not present in population databases (gnomAD no frequency). This premature translational stop signal has been observed in individual(s) with cerebral cavernous malformations (PMID: 14624391). It has also been observed to segregate with disease in related individuals. This variant is also known as 8fsX22. ClinVar contains an entry for this variant (Variation ID: 2680). For these reasons, this variant has been classified as Pathogenic.

OMIM
Classification: Pathogenic for CEREBRAL CAVERNOUS MALFORMATIONS 2. Last evaluated: 2003-12-01. Review status: no assertion criteria provided. Collection method: literature only. Allele origin: germline. Not counted in ClinVar's aggregate classification.

Literature cited by the submitters: PubMed 18300272 (cited by Labcorp Genetics (formerly Invitae), Labcorp); PubMed 24689081 (cited by Labcorp Genetics (formerly Invitae), Labcorp); PubMed 14624391 (cited by Labcorp Genetics (formerly Invitae), Labcorp and OMIM).

NM_031443.4(CCM2):c.23del (p.Gly8fs)

Genes: CCM2 (CCM2 scaffold protein; plus strand), LOC129998395 (ATAC-STARR-seq lymphoblastoid silent region 18162; plus strand). Cytogenetic location: 7p13.
Variant type: Deletion.
Coding change: c.23del on transcript NM_031443.4 (MANE Select); coding-DNA position 23, one base deleted (G; older notation c.23delG).
Protein change: p.Gly8fs; shifts the reading frame from glycine 8.
Molecular consequence: frameshift variant.
Genome position (GRCh38, 1-based): chr7:45,000,356, G deleted; the last of 3 consecutive G bases (chr7:45,000,354-45,000,356); deleting any one gives the same sequence. VCF-style (leftmost placement, unchanged base first): chr7-45000353-AG-A. GRCh37 (hg19) VCF-style: chr7-45039952-AG-A.
Other names: c.23delG (NM_031443.3); c.23del, p.Gly8fs (NM_001167934.2, NM_001167935.2, NM_001363458.2 and 1 more transcripts); short protein forms G8fs.
Identifiers: ClinVar variation 2680 (VCV000002680.11), dbSNP rs1562848466, ClinGen allele CA913190149.